The following is an entry in ClinVar:

ClinVar aggregate classification (germline): Uncertain significance (1 of 4 stars; one submission).

Conditions:
Oto-palato-digital syndrome, type II (OPD2). Also called: FACIOPALATOOSSEOUS SYNDROME; OPD II SYNDROME; Otopalatodigital Syndrome, Type II; Otopalatodigital Syndrome Type 2 (FLNA-OPD2). Identifiers: Orphanet 669, Orphanet 90652, MedGen C1844696, MONDO:0010571, OMIM 304120.
Heterotopia, periventricular, X-linked dominant (PVNH1). Also called: PERIVENTRICULAR NODULAR HETEROTOPIA 1; X-linked periventricular heterotopia; PERIVENTRICULAR NODULAR HETEROTOPIA 4; HETEROTOPIA, PERIVENTRICULAR, 1. Identifiers: Orphanet 2149, Orphanet 82004, MedGen C1848213, MONDO:0010233, OMIM 300049.
Frontometaphyseal dysplasia (FMD1). Identifiers: Orphanet 1826, MedGen C0265293, MONDO:0015942.
Melnick-Needles syndrome (MNS). Also called: MELNICK-NEEDLES OSTEODYSPLASTY; OSTEODYSPLASTY OF MELNICK AND NEEDLES; Melnick-Needles Syndrome (FLNA-MNS). Identifiers: Orphanet 2484, MedGen C0025237, MONDO:0010650, OMIM 309350.

Submission:

Labcorp Genetics (formerly Invitae), Labcorp
Classification: Uncertain significance for Oto-palato-digital syndrome, type II; Heterotopia, periventricular, X-linked dominant; Frontometaphyseal dysplasia; Melnick-Needles syndrome. Last evaluated: 2023-02-05. Review status: criteria provided, single submitter. Criteria: Invitae Variant Classification Sherloc (09022015). Collection method: clinical testing. Allele origin: germline.
Comment: This variant is not present in population databases (gnomAD no frequency). This variant has not been reported in the literature in individuals affected with FLNA-related conditions. Advanced modeling of protein sequence and biophysical properties (such as structural, functional, and spatial information, amino acid conservation, physicochemical variation, residue mobility, and thermodynamic stability) performed at Invitae indicates that this missense variant is not expected to disrupt FLNA protein function. In summary, the available evidence is currently insufficient to determine the role of this variant in disease. Therefore, it has been classified as a Variant of Uncertain Significance. This sequence change replaces leucine, which is neutral and non-polar, with arginine, which is basic and polar, at codon 1564 of the FLNA protein (p.Leu1564Arg).

NM_001110556.2(FLNA):c.4691T>G (p.Leu1564Arg)

Gene: FLNA (filamin A; minus strand). Cytogenetic location: Xq28.
Variant type: single nucleotide variant.
Coding change: c.4691T>G on transcript NM_001110556.2 (MANE Select); coding-DNA position 4691, T replaced by G.
Protein change: p.Leu1564Arg; replaces leucine 1564 with arginine.
Molecular consequence: missense variant.
Genome position (GRCh38, 1-based): chrX:154,358,263, A>C on the plus strand (T>G on the coding strand, the complement: FLNA is on the minus strand). VCF-style: chrX-154358263-A-C. GRCh37 (hg19) VCF-style: chrX-153586631-A-C.
Other names: c.4691T>G, p.Leu1564Arg (NM_001456.4); short protein forms L1564R.
Identifiers: ClinVar variation 2943982 (VCV002943982.3), dbSNP rs2522735035, ClinGen allele CA415214765.